The following is an entry in ClinVar:

NM_000535.7(PMS2):c.591C>A (p.Gly197=)

Gene: PMS2 (PMS1 homolog 2, mismatch repair system component; minus strand). Cytogenetic location: 7p22.1.
Variant type: single nucleotide variant.
Coding change: c.591C>A on transcript NM_000535.7 (MANE Select); coding-DNA position 591, C replaced by A.
Protein change: p.Gly197=; no amino-acid change (glycine 197 retained).
Molecular consequence: synonymous variant. On other transcripts: 5 prime UTR variant (2), non-coding transcript variant (1), intron variant (1).
Genome position (GRCh38, 1-based): chr7:5,999,222, G>T on the plus strand (C>A on the coding strand, the complement: PMS2 is on the minus strand). VCF-style: chr7-5999222-G-T. GRCh37 (hg19) VCF-style: chr7-6038853-G-T.
Other names: c.186C>A, p.Gly62= (NM_001322003.2, NM_001322004.2, NM_001322005.2 and 2 more transcripts); c.591C>A, p.Gly197= (NM_001322006.2, NM_001322014.2); c.273C>A, p.Gly91= (NM_001322007.2, NM_001322008.2); c.-343C>A (NM_001322011.2, NM_001322012.2); c.282C>A, p.Gly94= (NM_001322015.2); c.133-1799C>A (NM_001322013.2).
Identifiers: ClinVar variation 1554417 (VCV001554417.9), dbSNP rs748518694, ClinGen allele CA453647205.
Genomic context (GRCh38, chr7:5,999,222, plus strand): 5'-TGTGCATACCACAGGCTGTCGTTTTCCTTGTCCAAGCTGATTGGTGCAACTTACACGGAT[G>T]CCTGCTGAAATGATACAGTATGCATGTAAGACCTGGACCATTTTGGCATACTCCTGTTTA-3'
Protein context (NP_000526.2, residues 187-207): VLHAYCIISA[Gly197=]IRVSCTNQLG

ClinVar aggregate classification (germline): Benign/Likely benign. Review status: criteria provided, multiple submitters, no conflicts (2 of 4 stars). 2 submissions from 2 submitters: Benign (1); Likely benign (1). Last evaluated 2025-01-27.

Conditions:
Lynch syndrome 4 (LYNCH4). Also called: Colorectal cancer, hereditary nonpolyposis, type 4; Hereditary non-polyposis colorectal cancer, type 4. Identifiers: Orphanet 144, MedGen C1838333, MONDO:0013699, OMIM 614337. Disease mechanism: loss of function.
Hereditary nonpolyposis colorectal neoplasms. Identifiers: MedGen C0009405, MeSH D003123.

Submissions (2):

Myriad Genetics, Inc.
Classification: Benign for Lynch syndrome 4. Last evaluated: 2025-01-27. Review status: criteria provided, single submitter. Criteria: Myriad Autosomal Dominant, Autosomal Recessive and X-Linked Classification Criteria (2023). Collection method: clinical testing. Allele origin: unknown.
Comment: This variant is considered benign. This variant is a silent/synonymous amino acid change and it is not expected to impact splicing.

Labcorp Genetics (formerly Invitae), Labcorp
Classification: Likely benign for Hereditary nonpolyposis colorectal neoplasms. Last evaluated: 2021-06-24. Review status: criteria provided, single submitter. Criteria: Invitae Variant Classification Sherloc (09022015). Collection method: clinical testing. Allele origin: germline.